The following is an entry in ClinVar:

NM_139318.5(KCNH5):c.45T>C (p.Phe15=)

Gene: KCNH5 (potassium voltage-gated channel subfamily H member 5; minus strand). Cytogenetic location: 14q23.2.
Variant type: single nucleotide variant.
Coding change: c.45T>C on transcript NM_139318.5 (MANE Select); coding-DNA position 45, T replaced by C.
Protein change: p.Phe15=; no amino-acid change (phenylalanine 15 retained).
Molecular consequence: synonymous variant.
Genome position (GRCh38, 1-based): chr14:63,045,142, A>G on the plus strand (T>C on the coding strand, the complement: KCNH5 is on the minus strand). VCF-style: chr14-63045142-A-G. GRCh37 (hg19) VCF-style: chr14-63511860-A-G.
Other names: c.45T>C, p.Phe15= (NM_172375.3).
Identifiers: ClinVar variation 4681945 (VCV004681945.5).
Genomic context (GRCh38, chr14:63,045,142, plus strand): 5'-GTGGGGGTGTTCTGAACTACAACTCTCCTTACCACTGGAGCGCCTGACGATGTTCTCCAA[A>G]AATGTGTTCTGCGGTGCCACCAGCCCTCTCTTGCCCCCCGGCATCCTGGGTCTGGAGAGC-3'
Protein context (NP_647479.2, residues 5-25): KRGLVAPQNT[Phe15=]LENIVRRSSE

ClinVar aggregate classification (germline): Uncertain significance (1 of 4 stars; one submission).

Submission:

CeGaT Center for Human Genetics Tuebingen
Classification: Uncertain significance. Last evaluated: 2025-12-01. Review status: criteria provided, single submitter. Criteria: CeGaT Center For Human Genetics Tuebingen Variant Classification Criteria Version 2. Collection method: clinical testing. Allele origin: germline. Affected: yes. Observed: 1 variant allele.
Comment: KCNH5: PM2:Supporting, BP4